The following is an entry in ClinVar:

ClinVar aggregate classification (germline): Uncertain significance (1 of 4 stars; one submission).

Conditions:
Inborn genetic diseases. Identifiers: MedGen C0950123, MeSH D030342.

gnomAD v4.1: 13 of 1,609,542 alleles (0.00081%); highest among the groups gnomAD compares: Non-Finnish European, 0.0011%; no homozygotes.

Submission:

Ambry Genetics
Classification: Uncertain significance for Inborn genetic diseases. Last evaluated: 2022-05-03. Review status: criteria provided, single submitter. Criteria: Ambry Variant Classification Scheme 2023. Collection method: clinical testing. Allele origin: germline.
Comment: The c.1642+4G>A intronic alteration consists of a G to A substitution 4 nucleotides after exon 12 of the POLR3A gene. Based on insufficient or conflicting evidence, the clinical significance of this alteration remains unclear.

NM_007055.4(POLR3A):c.1642+4G>A

Gene: POLR3A (RNA polymerase III subunit A; minus strand). Cytogenetic location: 10q22.3.
Variant type: single nucleotide variant.
Coding change: c.1642+4G>A on transcript NM_007055.4 (MANE Select); 4 bases into the intron after coding-DNA position 1642, G replaced by A.
Molecular consequence: intron variant.
Genome position (GRCh38, 1-based): chr10:78,010,467, C>T on the plus strand (G>A on the coding strand, the complement: POLR3A is on the minus strand). VCF-style: chr10-78010467-C-T. GRCh37 (hg19) VCF-style: chr10-79770225-C-T.
Identifiers: ClinVar variation 2279932 (VCV002279932.2), dbSNP rs750302831, ClinGen allele CA1921511251.